The following is an entry in ClinVar:

ClinVar aggregate classification (germline): Uncertain significance (1 of 4 stars; one submission).

gnomAD v4.1: 1 of 1,614,158 alleles (0.000062%); highest among the groups gnomAD compares: Non-Finnish European, 0.000085%; no homozygotes.

Submission:

Ambry Genetics
Classification: Uncertain significance. Last evaluated: 2021-10-14. Review status: criteria provided, single submitter. Criteria: Ambry Variant Classification Scheme 2023. Collection method: clinical testing. Allele origin: germline.
Comment: The p.Y20S variant (also known as c.59A>C), located in coding exon 2 of the NQO1 gene, results from an A to C substitution at nucleotide position 59. The tyrosine at codon 20 is replaced by serine, an amino acid with dissimilar properties. This amino acid position is conserved. In addition, this alteration is predicted to be tolerated by in silico analysis. Since supporting evidence is limited at this time, the clinical significance of this alteration remains unclear.

NM_000903.3(NQO1):c.59A>C (p.Tyr20Ser)

Gene: NQO1 (NAD(P)H quinone dehydrogenase 1; minus strand). Cytogenetic location: 16q22.1.
Variant type: single nucleotide variant.
Coding change: c.59A>C on transcript NM_000903.3 (MANE Select); coding-DNA position 59, A replaced by C.
Protein change: p.Tyr20Ser; replaces tyrosine 20 with serine.
Molecular consequence: missense variant.
Genome position (GRCh38, 1-based): chr16:69,718,483, T>G on the plus strand (A>C on the coding strand, the complement: NQO1 is on the minus strand). VCF-style: chr16-69718483-T-G. GRCh37 (hg19) VCF-style: chr16-69752386-T-G.
Other names: c.59A>C, p.Tyr20Ser (NM_001025433.2, NM_001025434.2, NM_001286137.2); short protein forms Y20S.
Identifiers: ClinVar variation 1750948 (VCV001750948.2), dbSNP rs2544333531, ClinGen allele CA396491933.